The following is an entry in ClinVar:

NM_000179.3(MSH6):c.4076A>G (p.Glu1359Gly)

Gene: MSH6 (mutS homolog 6; plus strand). Cytogenetic location: 2p16.3.
Variant type: single nucleotide variant.
Coding change: c.4076A>G on transcript NM_000179.3 (MANE Select); coding-DNA position 4076, A replaced by G.
Protein change: p.Glu1359Gly; replaces glutamic acid 1359 with glycine.
Molecular consequence: missense variant. On other transcripts: 3 prime UTR variant (5), non-coding transcript variant (5).
Genome position (GRCh38, 1-based): chr2:47,806,853, A>G. VCF-style: chr2-47806853-A-G. GRCh37 (hg19) VCF-style: chr2-48033992-A-G.
Other names: c.3686A>G, p.Glu1229Gly (NM_001281492.2); c.3170A>G, p.Glu1057Gly (NM_001281493.2, NM_001281494.2, NM_001406823.1 and 6 more transcripts); c.4172A>G, p.Glu1391Gly (NM_001406795.1); c.4076A>G, p.Glu1359Gly (NM_001406796.1, NM_001406809.1); c.3779A>G, p.Glu1260Gly (NM_001406797.1, NM_001406805.1, NM_001406818.1 and 8 more transcripts); c.3902A>G, p.Glu1301Gly (NM_001406798.1); c.3551A>G, p.Glu1184Gly (NM_001406799.1, NM_001406806.1, NM_001406807.1); c.*97A>G (NM_001406800.1); and 9 more; short protein forms E1184G, E1333G, E308G, E1057G, E1071G, E1301G, E1361G, E1229G.
Identifiers: ClinVar variation 4111223 (VCV004111223.1).

ClinVar aggregate classification (germline): Uncertain significance (1 of 4 stars; one submission).

Conditions:
Hereditary cancer-predisposing syndrome. Also called: Tumor predisposition; Neoplastic Syndromes, Hereditary; Hereditary neoplastic syndrome; Hereditary Cancer Syndrome. Identifiers: Orphanet 140162, MedGen C0027672, MeSH D009386, MONDO:0015356.

Submission:

Ambry Genetics
Classification: Uncertain significance for Hereditary cancer-predisposing syndrome. Last evaluated: 2025-08-09. Review status: criteria provided, single submitter. Criteria: Ambry Variant Classification Scheme 2023. Collection method: clinical testing. Allele origin: germline.
Comment: The p.E1359G variant (also known as c.4076A>G), located in coding exon 10 of the MSH6 gene, results from an A to G substitution at nucleotide position 4076. The glutamic acid at codon 1359 is replaced by glycine, an amino acid with similar properties. This amino acid position is conserved. In addition, this alteration is predicted to be tolerated by in silico analysis. Based on the available evidence, the clinical significance of this variant remains unclear.